The following is an entry in ClinVar:

NM_001365276.2(TNXB):c.1547C>G (p.Pro516Arg)

Gene: TNXB (tenascin XB; minus strand). Cytogenetic location: 6p21.33.
Variant type: single nucleotide variant.
Coding change: c.1547C>G on transcript NM_001365276.2 (MANE Select); coding-DNA position 1547, C replaced by G.
Protein change: p.Pro516Arg; replaces proline 516 with arginine.
Molecular consequence: missense variant.
Genome position (GRCh38, 1-based): chr6:32,096,306, G>C on the plus strand (C>G on the coding strand, the complement: TNXB is on the minus strand). VCF-style: chr6-32096306-G-C. GRCh37 (hg19) VCF-style: chr6-32064083-G-C.
Other names: c.1547C>G, p.Pro516Arg (NM_019105.8); short protein forms P516R.
Identifiers: ClinVar variation 2309385 (VCV002309385.4), dbSNP rs944694191, ClinGen allele CA136905981.
Genomic context (GRCh38, chr6:32,096,306, plus strand): 5'-CCGTGCCCACGGCAGTCCCCGGGACAGCGACGGCTCCCACAGTCCTCACCGGTGAAGCCC[G>C]GGTTGCACACGCAGCGGCCATCCACGCAGCGCCCGCGCCCGCGACAGTCGCCAGGACAGG-3'
Protein context (NP_001352205.1, residues 506-526): RCVDGRCVCN[Pro516Arg]GFTGEDCGSR

ClinVar aggregate classification (germline): Uncertain significance (1 of 4 stars; one submission).

Conditions:
Cardiovascular phenotype. Identifiers: MedGen CN230736.

Allele frequency attached by ClinVar (database versions not stated): gnomAD 0.00001; gnomAD exomes 0.00001; TOPMed 0.00001.
gnomAD v4.1: 11 of 1,551,586 alleles (0.00071%); highest among the groups gnomAD compares: Middle Eastern, 0.033%; no homozygotes.

Submission:

Ambry Genetics
Classification: Uncertain significance for Cardiovascular phenotype. Last evaluated: 2026-02-22. Review status: criteria provided, single submitter. Criteria: Ambry Variant Classification Scheme 2023. Collection method: clinical testing. Allele origin: germline.
Comment: The p.P516R variant (also known as c.1547C>G), located in coding exon 2 of the TNXB gene, results from a C to G substitution at nucleotide position 1547. The proline at codon 516 is replaced by arginine, an amino acid with dissimilar properties. This amino acid position is conserved. In addition, this alteration is predicted to be tolerated by in silico analysis. Based on the available evidence, the clinical significance of this variant remains unclear.